The following is an entry in ClinVar:

NM_020822.3(KCNT1):c.3286G>A (p.Gly1096Ser)

Gene: KCNT1 (potassium sodium-activated channel subfamily T member 1; plus strand). Cytogenetic location: 9q34.3.
Variant type: single nucleotide variant.
Coding change: c.3286G>A on transcript NM_020822.3 (MANE Select); coding-DNA position 3286, G replaced by A.
Protein change: p.Gly1096Ser; replaces glycine 1096 with serine.
Molecular consequence: missense variant.
Genome position (GRCh38, 1-based): chr9:135,786,305, G>A. VCF-style: chr9-135786305-G-A. GRCh37 (hg19) VCF-style: chr9-138678151-G-A.
Other names: c.3151G>A, p.Gly1051Ser (NM_001272003.2); short protein forms G1051S, G1096S.
Identifiers: ClinVar variation 643923 (VCV000643923.8), dbSNP rs748115007, ClinGen allele CA5327769.

ClinVar aggregate classification (germline): Conflicting classifications of pathogenicity. Review status: criteria provided, conflicting classifications (1 of 4 stars). 2 submissions from 2 submitters: Uncertain significance (1); Likely benign (1). Last evaluated 2025-02-10.

Conditions:
Inborn genetic diseases. Identifiers: MedGen C0950123, MeSH D030342.
Developmental and epileptic encephalopathy, 14 (DEE14). Also called: Early infantile epileptic encephalopathy 14. Identifiers: Orphanet 293181, MedGen C3554195, MONDO:0013989, OMIM 614959.
Autosomal dominant nocturnal frontal lobe epilepsy 5. Also called: Epilepsy, nocturnal frontal lobe, 5; KCNT1-Related Epilepsy; CILIARY DYSKINESIA, PRIMARY, 28, WITHOUT SITUS INVERSUS; CILIARY DYSKINESIA, PRIMARY, 28, WITH SITUS INVERSUS. Identifiers: Orphanet 98784, MedGen C3554306, MONDO:0014002, OMIM 615005.

Allele frequency attached by ClinVar (database versions not stated): ExAC 0.00001; gnomAD exomes 0.00001 and 0.00003; gnomAD 0.00003 and 0.00004; TOPMed 0.00003.
gnomAD v4.1: 44 of 1,603,138 alleles (0.0027%); highest among the groups gnomAD compares: East Asian, 0.0045%; no homozygotes.

Submissions (2):

Labcorp Genetics (formerly Invitae), Labcorp
Classification: Uncertain significance for Autosomal dominant nocturnal frontal lobe epilepsy 5; Developmental and epileptic encephalopathy, 14. Last evaluated: 2025-02-10. Review status: criteria provided, single submitter. Criteria: Invitae Variant Classification Sherloc (09022015). Collection method: clinical testing. Allele origin: germline.
Comment: This sequence change replaces glycine, which is neutral and non-polar, with serine, which is neutral and polar, at codon 1096 of the KCNT1 protein (p.Gly1096Ser). This variant is present in population databases (rs748115007, gnomAD 0.005%). This variant has not been reported in the literature in individuals affected with KCNT1-related conditions. ClinVar contains an entry for this variant (Variation ID: 643923). Invitae Evidence Modeling of protein sequence and biophysical properties (such as structural, functional, and spatial information, amino acid conservation, physicochemical variation, residue mobility, and thermodynamic stability) indicates that this missense variant is not expected to disrupt KCNT1 protein function with a negative predictive value of 80%. In summary, the available evidence is currently insufficient to determine the role of this variant in disease. Therefore, it has been classified as a Variant of Uncertain Significance.

Ambry Genetics
Classification: Likely benign for Inborn genetic diseases. Last evaluated: 2022-11-08. Review status: criteria provided, single submitter. Criteria: Ambry Variant Classification Scheme 2023. Collection method: clinical testing. Allele origin: germline.